The following is an entry in ClinVar:

NM_000312.4(PROC):c.1166G>C (p.Gly389Ala)

Gene: PROC (protein C, inactivator of coagulation factors Va and VIIIa; plus strand). Cytogenetic location: 2q14.3.
Variant type: single nucleotide variant.
Coding change: c.1166G>C on transcript NM_000312.4 (MANE Select); coding-DNA position 1166, G replaced by C.
Protein change: p.Gly389Ala; replaces glycine 389 with alanine.
Molecular consequence: missense variant.
Genome position (GRCh38, 1-based): chr2:127,428,726, G>C. VCF-style: chr2-127428726-G-C. GRCh37 (hg19) VCF-style: chr2-128186302-G-C.
Other names: c.1349G>C, p.Gly450Ala (NM_001375602.1); c.1331G>C, p.Gly444Ala (NM_001375603.1); c.1229G>C, p.Gly410Ala (NM_001375604.1); c.1268G>C, p.Gly423Ala (NM_001375605.1); c.1334G>C, p.Gly445Ala (NM_001375606.1); c.1352G>C, p.Gly451Ala (NM_001375607.1); c.1109G>C, p.Gly370Ala (NM_001375608.1); c.1142G>C, p.Gly381Ala (NM_001375609.1); and 2 more; short protein forms G389A, G370A, G381A, G387A, G410A, G423A, G444A, G445A.
Identifiers: ClinVar variation 623192 (VCV000623192.2), dbSNP rs1305782685, ClinGen allele CA348406097.

ClinVar aggregate classification (germline): Conflicting classifications of pathogenicity. Review status: criteria provided, conflicting classifications (1 of 4 stars). 2 submissions from 2 submitters: Likely pathogenic (1); Uncertain significance (1). Last evaluated 2025-04-13.

Conditions:
Thrombophilia due to protein C deficiency, autosomal dominant. Also called: PROC DEFICIENCY, AUTOSOMAL DOMINANT; PROTEIN C DEFICIENCY, AUTOSOMAL DOMINANT. Identifiers: Orphanet 745, MedGen C2674321, MONDO:0008316, OMIM 176860. Disease mechanism: loss of function.

Allele frequency attached by ClinVar (database versions not stated): gnomAD exomes 0.00001.
gnomAD v4.1: 3 of 1,613,656 alleles (0.00019%); highest among the groups gnomAD compares: Non-Finnish European, 0.00025%; no homozygotes.

Submissions (2):

Labcorp Genetics (formerly Invitae), Labcorp
Classification: Uncertain significance for Thrombophilia due to protein C deficiency, autosomal dominant. Last evaluated: 2025-04-13. Review status: criteria provided, single submitter. Criteria: Invitae Variant Classification Sherloc (09022015). Collection method: clinical testing. Allele origin: germline.
Comment: This sequence change replaces glycine, which is neutral and non-polar, with alanine, which is neutral and non-polar, at codon 389 of the PROC protein (p.Gly389Ala). This variant is not present in population databases (gnomAD no frequency). This missense change has been observed in individual(s) with PROC-related conditions (PMID: 10942114). ClinVar contains an entry for this variant (Variation ID: 623192). Invitae Evidence Modeling of protein sequence and biophysical properties (such as structural, functional, and spatial information, amino acid conservation, physicochemical variation, residue mobility, and thermodynamic stability) indicates that this missense variant is expected to disrupt PROC protein function with a positive predictive value of 80%. In summary, the available evidence is currently insufficient to determine the role of this variant in disease. Therefore, it has been classified as a Variant of Uncertain Significance.

Molecular Diagnostics Laboratory, M Health Fairview: University of Minnesota
Classification: Likely pathogenic for Thrombophilia due to protein C deficiency, autosomal dominant. Last evaluated: 2018-12-27. Review status: criteria provided, single submitter. Criteria: ACMG Guidelines, 2015. Collection method: clinical testing. Allele origin: germline. Affected: yes. Observed: 1 variant allele.

Literature cited by the submitters: PubMed 10942114 (cited by Labcorp Genetics (formerly Invitae), Labcorp and Molecular Diagnostics Laboratory, M Health Fairview: University of Minnesota); PubMed 28468828 (cited by Molecular Diagnostics Laboratory, M Health Fairview: University of Minnesota); PubMed 17635713 (cited by Molecular Diagnostics Laboratory, M Health Fairview: University of Minnesota).